The following is an entry in ClinVar:

ClinVar aggregate classification (germline): Pathogenic (1 of 4 stars; one submission).

Conditions:
Hereditary cancer-predisposing syndrome. Also called: Tumor predisposition; Neoplastic Syndromes, Hereditary; Hereditary neoplastic syndrome; Hereditary Cancer Syndrome. Identifiers: Orphanet 140162, MedGen C0027672, MeSH D009386, MONDO:0015356.

Submission:

Labcorp Genetics (formerly Invitae), Labcorp
Classification: Pathogenic for Hereditary cancer-predisposing syndrome. Last evaluated: 2016-05-20. Review status: criteria provided, single submitter. Criteria: Invitae Variant Classification Sherloc (09022015). Collection method: clinical testing. Allele origin: germline.
Comment: This variant is a gross deletion of the genomic region encompassing exon 3 of the RAD50 gene. This creates a premature translational stop signal and is expected to result in an absent or disrupted protein product. While this particular deletion has not been reported in the literature, truncating variants in RAD50 are known to be pathogenic (PMID: 19409520, 16385572). For these reasons, this variant has been classified as Pathogenic.

NC_000005.10:g.(?_132575777)_(132575928_?)del

Gene: RAD50 (RAD50 double strand break repair protein; plus strand). Cytogenetic location: 5q31.1.
Variant type: Deletion.
Identifiers: ClinVar variation 417430 (VCV000417430.1).